The following is an entry in ClinVar:

NM_014629.4(ARHGEF10):c.482-4G>C

Gene: ARHGEF10 (Rho guanine nucleotide exchange factor 10; plus strand). Cytogenetic location: 8p23.3.
Variant type: single nucleotide variant.
Coding change: c.482-4G>C on transcript NM_014629.4 (MANE Select); 4 bases into the intron before coding-DNA position 482, G replaced by C.
Molecular consequence: intron variant. On other transcripts: splice acceptor variant (5).
Genome position (GRCh38, 1-based): chr8:1,864,369, G>C. VCF-style: chr8-1864369-G-C. GRCh37 (hg19) VCF-style: chr8-1812535-G-C.
Other names: c.482-1G>C (NM_001438092.1, NM_001438091.1, NM_001308152.2 and 2 more transcripts); c.482-4G>C (NM_001438093.1).
Identifiers: ClinVar variation 725580 (VCV000725580.10), dbSNP rs73542439, ClinGen allele CA4599813.
Genomic context (GRCh38, chr8:1,864,369, plus strand): 5'-ACATCAACTTCATGAGCATTTTTGTCAGGCGTAAAGCAGCATCACATATTTTCTTTCCCA[G>C]CAGAAACACCAGAAGTCACAGAAGATCGCCAGCCCAATTCTCTGAGTTCCGAGGAGCCTC-3'

ClinVar aggregate classification (germline): Benign. Review status: criteria provided, single submitter (1 of 4 stars). 2 submissions from 2 submitters: Benign (1). 1 of the submissions does not count toward it. Last evaluated 2026-01-26.

Conditions:
ARHGEF10-related disorder. Also called: ARHGEF10-related condition.

Allele frequency attached by ClinVar (database versions not stated): gnomAD exomes 0.00074; ExAC 0.00079; 1000 Genomes Project 0.00240; 1000 Genomes Project 30x 0.00265; gnomAD 0.00302 and 0.00327; ESP Exome Variant Server 0.00338; TOPMed 0.00367.
gnomAD v4.1: 869 of 1,614,034 alleles (0.054%); highest among the groups gnomAD compares: African/African-American, 0.99%; 2 homozygotes.

Submissions (2):

Labcorp Genetics (formerly Invitae), Labcorp
Classification: Benign. Last evaluated: 2026-01-26. Review status: criteria provided, single submitter. Criteria: Invitae Variant Classification Sherloc (09022015). Collection method: clinical testing. Allele origin: germline.

PreventionGenetics, part of Exact Sciences
Classification: Benign for ARHGEF10-related condition. Last evaluated: 2024-05-30. Review status: no assertion criteria provided. Collection method: clinical testing. Allele origin: germline. Not counted in ClinVar's aggregate classification.
Comment: This variant is classified as benign based on ACMG/AMP sequence variant interpretation guidelines (Richards et al. 2015 PMID: 25741868, with internal and published modifications).